The following is an entry in ClinVar:

NM_001379500.1(COL18A1):c.323T>C (p.Leu108Pro)

Gene: COL18A1 (collagen type XVIII alpha 1 chain; plus strand). Cytogenetic location: 21q22.3.
Variant type: single nucleotide variant.
Coding change: c.323T>C on transcript NM_001379500.1 (MANE Select); coding-DNA position 323, T replaced by C.
Protein change: p.Leu108Pro; replaces leucine 108 with proline.
Molecular consequence: missense variant.
Genome position (GRCh38, 1-based): chr21:45,468,458, T>C. VCF-style: chr21-45468458-T-C. GRCh37 (hg19) VCF-style: chr21-46888372-T-C.
Other names: c.863T>C, p.Leu288Pro (NM_030582.4); c.1568T>C, p.Leu523Pro (NM_130444.3); short protein forms L523P, L288P, L108P.
Identifiers: ClinVar variation 1397637 (VCV001397637.6), dbSNP rs1349915592, ClinGen allele CA410511809.

ClinVar aggregate classification (germline): Uncertain significance (1 of 4 stars; one submission).

Allele frequency attached by ClinVar (database versions not stated): gnomAD exomes below 0.00001.
gnomAD v4.1: 1 of 1,614,104 alleles (0.000062%); highest among the groups gnomAD compares: South Asian, 0.0011%; no homozygotes.

Submission:

Labcorp Genetics (formerly Invitae), Labcorp
Classification: Uncertain significance. Last evaluated: 2021-05-27. Review status: criteria provided, single submitter. Criteria: Invitae Variant Classification Sherloc (09022015). Collection method: clinical testing. Allele origin: germline.
Comment: This variant has not been reported in the literature in individuals with COL18A1-related conditions. This variant is not present in population databases (ExAC no frequency). This sequence change replaces leucine with proline at codon 108 of the COL18A1 protein (p.Leu108Pro). There is a moderate physicochemical difference between leucine and proline. Experimental studies and prediction algorithms are not available or were not evaluated, and the functional significance of this variant is currently unknown. In summary, the available evidence is currently insufficient to determine the role of this variant in disease. Therefore, it has been classified as a Variant of Uncertain Significance.